The following is an entry in ClinVar:

NM_001035.3(RYR2):c.14600T>C (p.Ile4867Thr)

Gene: RYR2 (ryanodine receptor 2; plus strand). Cytogenetic location: 1q43.
Variant type: single nucleotide variant.
Coding change: c.14600T>C on transcript NM_001035.3 (MANE Select); coding-DNA position 14600, T replaced by C.
Protein change: p.Ile4867Thr; replaces isoleucine 4867 with threonine.
Molecular consequence: missense variant.
Genome position (GRCh38, 1-based): chr1:237,828,390, T>C. VCF-style: chr1-237828390-T-C. GRCh37 (hg19) VCF-style: chr1-237991690-T-C.
Other names: c.14600T>C, p.Ile4867Thr (LRG_402t1); short protein forms I4867T.
Identifiers: ClinVar variation 423597 (VCV000423597.5), dbSNP rs1064796516, ClinGen allele CA16617111.

ClinVar aggregate classification (germline): Pathogenic/Likely pathogenic. Review status: criteria provided, multiple submitters, no conflicts (2 of 4 stars). 2 submissions from 2 submitters: Pathogenic (1); Likely pathogenic (1). Last evaluated 2024-03-01.

Conditions:
Catecholaminergic polymorphic ventricular tachycardia (CVPT). Also called: Catecholamine-induced polymorphic ventricular tachycardia. Identifiers: Orphanet 3286, MedGen C5574922, MONDO:0017990.

Submissions (2):

Lildballe Lab, Aarhus University Hospital
Classification: Likely pathogenic for catecholaminergic polymorphic ventricular tachycardia. Last evaluated: 2024-03-01. Review status: criteria provided, single submitter. Criteria: ACMG Guidelines, 2015. Collection method: research. Allele origin: germline. Affected: yes.
Comment: PS4(m), PP3(m), PM2(sup), PM5(sup), PP2(sup) PP5(noinf)

GeneDx
Classification: Pathogenic. Last evaluated: 2018-11-05. Review status: criteria provided, single submitter. Criteria: GeneDx Variant Classification Process June 2021. Collection method: clinical testing. Allele origin: germline. Affected: yes.

Literature cited by the submitters: PubMed 25741907 (cited by Lildballe Lab, Aarhus University Hospital); PubMed 39481677 (cited by Lildballe Lab, Aarhus University Hospital).